The following is an entry in ClinVar:

NM_000064.4(C3):c.3773A>C (p.Glu1258Ala)

Gene: C3 (complement C3; minus strand). Cytogenetic location: 19p13.3.
Variant type: single nucleotide variant.
Coding change: c.3773A>C on transcript NM_000064.4 (MANE Select); coding-DNA position 3773, A replaced by C.
Protein change: p.Glu1258Ala; replaces glutamic acid 1258 with alanine.
Molecular consequence: missense variant.
Genome position (GRCh38, 1-based): chr19:6,686,161, T>G on the plus strand (A>C on the coding strand, the complement: C3 is on the minus strand). VCF-style: chr19-6686161-T-G. GRCh37 (hg19) VCF-style: chr19-6686172-T-G.
Other names: short protein forms E1258A.
Identifiers: ClinVar variation 4280228 (VCV004280228.1).

ClinVar aggregate classification (germline): Uncertain significance (1 of 4 stars; one submission).

Conditions:
Complement component 3 deficiency. Identifiers: Orphanet 280133, MedGen C3151071, MONDO:0013417, OMIM 613779.
C3 glomerulonephritis. Also called: Nephropathy due to CFHR5 Deficiency; C3 GLOMERULOPATHY 3. Identifiers: Orphanet 329931, MedGen C4055342, MONDO:0013892, OMIM 614809.
Atypical hemolytic-uremic syndrome. Identifiers: Orphanet 2134, MedGen C2931788, MONDO:0016244.

Submission:

Genomenon, Inc
Classification: Uncertain significance for Complement component 3 deficiency; C3 glomerulonephritis; Atypical hemolytic-uremic syndrome. Last evaluated: 2025-09-30. Review status: criteria provided, single submitter. Criteria: Genomenon Sequence Variant Interpretation Standards. Collection method: curation. Allele origin: germline. Affected: no.
Comment: C3 p.Glu1258Ala (c.3773A>C) is a missense variant that changes the amino acid at residue 1258 from Glutamic acid to Alanine. This variant has been reported in the published literature (PMID:24038559). It is absent or not present at a significant frequency in gnomAD. In silico models agree that this variant is not damaging. In conclusion, we classify C3 p.Glu1258Ala (c.3773A>C) as a variant of unknown significance.

Literature cited by the submitters: PubMed 24038559.